The following is an entry in ClinVar:

NM_005360.5(MAF):c.914G>T (p.Cys305Phe)

Gene: MAF (MAF bZIP transcription factor; minus strand). Cytogenetic location: 16q23.2.
Variant type: single nucleotide variant.
Coding change: c.914G>T on transcript NM_005360.5 (MANE Select); coding-DNA position 914, G replaced by T.
Protein change: p.Cys305Phe; replaces cysteine 305 with phenylalanine.
Molecular consequence: missense variant.
Genome position (GRCh38, 1-based): chr16:79,598,989, C>A on the plus strand (G>T on the coding strand, the complement: MAF is on the minus strand). VCF-style: chr16-79598989-C-A. GRCh37 (hg19) VCF-style: chr16-79632886-C-A.
Other names: c.914G>T, p.Cys305Phe (NM_001031804.3); short protein forms C305F.
Identifiers: ClinVar variation 1879342 (VCV001879342.30), dbSNP rs1913782042, ClinGen allele CA396534963.

ClinVar aggregate classification (germline): Likely pathogenic. Review status: criteria provided, multiple submitters, no conflicts (2 of 4 stars). 2 submissions from 2 submitters: Likely pathogenic (2). Last evaluated 2025-07-22.

Conditions:
Cataract 21 multiple types. Also called: Cataract, congenital, cerulean type, 4; CATARACT 21, MULTIPLE TYPES, WITH OR WITHOUT MICROCORNEA; CATARACT 21, CERULEAN, WITH OR WITHOUT MICROCORNEA; CATARACT 21, MULTIPLE TYPES, WITH MICROCORNEA. Identifiers: Orphanet 91492, MedGen C1857768, MONDO:0012437, OMIM 610202.

Submissions (2):

Variantyx, Inc.
Classification: Likely pathogenic for Cataract 21 multiple types. Last evaluated: 2025-07-22. Review status: criteria provided, single submitter. Criteria: Variantyx Assertion Criteria 2022. Collection method: clinical testing. Allele origin: de novo. Inheritance: Autosomal dominant inheritance. Affected: yes.
Comment: This is a nonsynonymous variant in the MAF gene (OMIM: 177075). Pathogenic variants in this gene have been associated with autosomal dominant cataract 21. The alteration lies within a known hotspot for pathogenic variants or a well-established critical functional domain of the MAF protein (PMID: 24664492) (PM1), and multiple computational algorithms predict a deleterious effect for this variant (REVEL score: 0.914) (PP3). This variant is absent from control populations (PM2). Based on the current evidence, this variant is classified as likely pathogenic for autosomal dominant cataract 21.

CeGaT Center for Human Genetics Tuebingen
Classification: Likely pathogenic. Last evaluated: 2022-12-01. Review status: criteria provided, single submitter. Criteria: CeGaT Center For Human Genetics Tuebingen Variant Classification Criteria Version 2. Collection method: clinical testing. Allele origin: germline. Affected: yes. Observed: 1 variant allele.
Comment: MAF: PM2, PM5, PP3, PP4

Literature cited by the submitters: PubMed 24664492 (cited by Variantyx, Inc.).